The following is an entry in ClinVar:

NM_000038.6(APC):c.6541A>G (p.Ile2181Val)

Gene: APC (APC regulator of Wnt signaling pathway; plus strand). Cytogenetic location: 5q22.2.
Variant type: single nucleotide variant.
Coding change: c.6541A>G on transcript NM_000038.6 (MANE Select); coding-DNA position 6541, A replaced by G.
Protein change: p.Ile2181Val; replaces isoleucine 2181 with valine.
Molecular consequence: missense variant.
Genome position (GRCh38, 1-based): chr5:112,842,135, A>G. VCF-style: chr5-112842135-A-G. GRCh37 (hg19) VCF-style: chr5-112177832-A-G.
Other names: c.6541A>G, p.Ile2181Val (NM_001127510.3, NM_001354895.2); c.6487A>G, p.Ile2163Val (NM_001127511.3); c.6595A>G, p.Ile2199Val (NM_001354896.2); c.6571A>G, p.Ile2191Val (NM_001354897.2); c.6466A>G, p.Ile2156Val (NM_001354898.2); c.6457A>G, p.Ile2153Val (NM_001354899.2); c.6418A>G, p.Ile2140Val (NM_001354900.2); c.6364A>G, p.Ile2122Val (NM_001354901.2); and 5 more; short protein forms I2090V, I2021V, I2080V, I2191V, I1898V, I2122V, I2181V, I2199V.
Identifiers: ClinVar variation 857882 (VCV000857882.15), dbSNP rs1766240460, ClinGen allele CA16035641.

ClinVar aggregate classification (germline): Uncertain significance. Review status: criteria provided, multiple submitters, no conflicts (2 of 4 stars). 4 submissions from 4 submitters: Uncertain significance (4). Last evaluated 2025-08-30.

Conditions:
Familial adenomatous polyposis 1 (FAP1). Also called: FAMILIAL ADENOMATOUS POLYPOSIS 1, ATTENUATED; POLYPOSIS, ADENOMATOUS INTESTINAL. Identifiers: MedGen C2713442, MONDO:0021056, OMIM 175100. Disease mechanism: loss of function.
Hereditary cancer-predisposing syndrome. Also called: Tumor predisposition; Hereditary neoplastic syndrome; Neoplastic Syndromes, Hereditary; Hereditary Cancer Syndrome. Identifiers: Orphanet 140162, MedGen C0027672, MeSH D009386, MONDO:0015356.

Allele frequency attached by ClinVar (database versions not stated): gnomAD exomes below 0.00001.
gnomAD v4.1: 5 of 1,611,668 alleles (0.00031%); highest among the groups gnomAD compares: Middle Eastern, 0.017%; no homozygotes.

Submissions (4):

Color Diagnostics, LLC DBA Color Health
Classification: Uncertain significance for Hereditary cancer-predisposing syndrome. Last evaluated: 2025-08-30. Review status: criteria provided, single submitter. Criteria: ACMG Guidelines, 2015. Collection method: clinical testing. Allele origin: germline.
Comment: This missense variant replaces isoleucine with valine at codon 2181 of the APC protein. Computational prediction suggests that this variant may not impact protein structure and function. To our knowledge, functional studies have not been reported for this variant. This variant has not been reported in individuals affected with APC-related disorders in the literature. This variant has not been identified in the general population by the Genome Aggregation Database (gnomAD). The available evidence is insufficient to determine the role of this variant in disease conclusively. Therefore, this variant is classified as a Variant of Uncertain Significance.

Ambry Genetics
Classification: Uncertain significance for Hereditary cancer-predisposing syndrome. Last evaluated: 2025-04-25. Review status: criteria provided, single submitter. Criteria: Ambry Variant Classification Scheme 2023. Collection method: clinical testing. Allele origin: germline.
Comment: The p.I2181V variant (also known as c.6541A>G), located in coding exon 15 of the APC gene, results from an A to G substitution at nucleotide position 6541. The isoleucine at codon 2181 is replaced by valine, an amino acid with highly similar properties. This amino acid position is not well conserved in available vertebrate species. In addition, in silico predictors for this gene do not accurately predict pathogenicity. Missense alterations in APC are not a common cause of disease (Spier I et al. Genet Med. 2024 Feb;26(2):100992). Based on the available evidence, the clinical significance of this variant remains unclear.

Labcorp Genetics (formerly Invitae), Labcorp
Classification: Uncertain significance for Familial adenomatous polyposis 1. Last evaluated: 2024-11-07. Review status: criteria provided, single submitter. Criteria: Invitae Variant Classification Sherloc (09022015). Collection method: clinical testing. Allele origin: germline.
Comment: This sequence change replaces isoleucine, which is neutral and non-polar, with valine, which is neutral and non-polar, at codon 2181 of the APC protein (p.Ile2181Val). This variant is not present in population databases (gnomAD no frequency). This variant has not been reported in the literature in individuals affected with APC-related conditions. ClinVar contains an entry for this variant (Variation ID: 857882). Invitae Evidence Modeling of protein sequence and biophysical properties (such as structural, functional, and spatial information, amino acid conservation, physicochemical variation, residue mobility, and thermodynamic stability) indicates that this missense variant is not expected to disrupt APC protein function with a negative predictive value of 95%. In summary, the available evidence is currently insufficient to determine the role of this variant in disease. Therefore, it has been classified as a Variant of Uncertain Significance.

Baylor Genetics
Classification: Uncertain significance for Familial adenomatous polyposis 1. Last evaluated: 2024-03-26. Review status: criteria provided, single submitter. Criteria: ACMG Guidelines, 2015. Collection method: clinical testing. Allele origin: unknown.